The following is an entry in ClinVar:

ClinVar aggregate classification (germline): Conflicting classifications of pathogenicity. Review status: criteria provided, conflicting classifications (1 of 4 stars). 2 submissions from 2 submitters: Uncertain significance (1); Likely benign (1). Last evaluated 2025-10-30.

Conditions:
AFF3-related disorder. Also called: AFF3-related condition.
Inborn genetic diseases. Identifiers: MedGen C0950123, MeSH D030342.

Submissions (2):

PreventionGenetics, part of Exact Sciences
Classification: Likely benign for AFF3-related condition. Last evaluated: 2025-10-30. Review status: criteria provided, single submitter. Criteria: ACMG Guidelines, 2015. Collection method: clinical testing. Allele origin: germline.
Comment: This variant is classified as likely benign based on ACMG/AMP sequence variant interpretation guidelines (Richards et al. 2015 PMID: 25741868, with internal and published modifications).

Ambry Genetics
Classification: Uncertain significance for Inborn genetic diseases. Last evaluated: 2025-04-08. Review status: criteria provided, single submitter. Criteria: Ambry Variant Classification Scheme 2023. Collection method: clinical testing. Allele origin: germline.

NM_001386135.1(AFF3):c.563A>G (p.Asn188Ser)

Gene: AFF3 (ALF transcription elongation factor 3; minus strand). Cytogenetic location: 2q11.2.
Variant type: single nucleotide variant.
Coding change: c.563A>G on transcript NM_001386135.1 (MANE Select); coding-DNA position 563, A replaced by G.
Protein change: p.Asn188Ser; replaces asparagine 188 with serine.
Molecular consequence: missense variant.
Genome position (GRCh38, 1-based): chr2:100,006,942, T>C on the plus strand (A>G on the coding strand, the complement: AFF3 is on the minus strand). VCF-style: chr2-100006942-T-C. GRCh37 (hg19) VCF-style: chr2-100623404-T-C.
Other names: c.638A>G, p.Asn213Ser (NM_001025108.2); c.563A>G, p.Asn188Ser (NM_002285.3); c.563A>G (NM_002285.2); short protein forms N188S, N213S.
Identifiers: ClinVar variation 4021662 (VCV004021662.2).